The following is an entry in ClinVar:

NM_005391.5(PDK3):c.249-15T>C

Gene: PDK3 (pyruvate dehydrogenase kinase 3; plus strand). Cytogenetic location: Xp22.11.
Variant type: single nucleotide variant.
Coding change: c.249-15T>C on transcript NM_005391.5 (MANE Select); 15 bases into the intron before coding-DNA position 249, T replaced by C.
Molecular consequence: intron variant.
Genome position (GRCh38, 1-based): chrX:24,498,814, T>C. VCF-style: chrX-24498814-T-C. GRCh37 (hg19) VCF-style: chrX-24516931-T-C.
Other names: c.249-15T>C (NM_001142386.3).
Identifiers: ClinVar variation 2501167 (VCV002501167.4), dbSNP rs1343030430, ClinGen allele CA640999794.

ClinVar aggregate classification (germline): Conflicting classifications of pathogenicity. Review status: criteria provided, conflicting classifications (1 of 4 stars). 2 submissions from 2 submitters: Uncertain significance (1); Likely benign (1). Last evaluated 2023-03-23.

Conditions:
Charcot-Marie-Tooth disease X-linked dominant 6. Also called: CHARCOT-MARIE-TOOTH NEUROPATHY, X-LINKED DOMINANT, 6. Identifiers: Orphanet 352675, MedGen C3806702, MONDO:0010479, OMIM 300905.

Allele frequency attached by ClinVar (database versions not stated): gnomAD exomes below 0.00001; TOPMed 0.00001.
gnomAD v4.1: 2 of 1,034,582 alleles (0.00019%); highest among the groups gnomAD compares: Admixed American, 0.0059%; no homozygotes.

Submissions (2):

Women's Health and Genetics/Laboratory Corporation of America, LabCorp
Classification: Uncertain significance. Last evaluated: 2023-03-23. Review status: criteria provided, single submitter. Criteria: LabCorp Variant Classification Summary - May 2015. Collection method: clinical testing. Allele origin: germline.
Comment: Variant summary: PDK3 c.249-15T>C alters a non-conserved nucleotide located close to a canonical splice site and therefore could affect mRNA splicing, leading to a significantly altered protein sequence. One in-silico tool, TraP, predicts a benign role. The variant allele was found at a frequency of 1.5e-05 in 130105 control chromosomes. The available data on variant occurrences in the general population are insufficient to allow any conclusion about variant significance. To our knowledge, no occurrence of c.249-15T>C in individuals affected with Charcot-Marie Disease X-Linked Dominant 6 and no experimental evidence demonstrating its impact on protein function have been reported. No clinical diagnostic laboratories have submitted clinical-significance assessments for this variant to ClinVar after 2014. Based on the evidence outlined above, the variant was classified as uncertain significance.

Labcorp Genetics (formerly Invitae), Labcorp
Classification: Likely benign for Charcot-Marie-Tooth disease X-linked dominant 6. Last evaluated: 2022-12-02. Review status: criteria provided, single submitter. Criteria: Invitae Variant Classification Sherloc (09022015). Collection method: clinical testing. Allele origin: germline.